The following is an entry in ClinVar:

ClinVar aggregate classification (germline): Uncertain significance (1 of 4 stars; one submission).

Submission:

Labcorp Genetics (formerly Invitae), Labcorp
Classification: Uncertain significance. Last evaluated: 2024-08-13. Review status: criteria provided, single submitter. Criteria: Invitae Variant Classification Sherloc (09022015). Collection method: clinical testing. Allele origin: germline.
Comment: This variant, c.1669_1671del, results in the deletion of 1 amino acid(s) of the RIPK1 protein (p.Leu557del), but otherwise preserves the integrity of the reading frame. This variant is present in population databases (rs765343712, gnomAD 0.002%). This variant has not been reported in the literature in individuals affected with RIPK1-related conditions. Experimental studies and prediction algorithms are not available or were not evaluated, and the functional significance of this variant is currently unknown. In summary, the available evidence is currently insufficient to determine the role of this variant in disease. Therefore, it has been classified as a Variant of Uncertain Significance.

NM_001354930.2(RIPK1):c.1666CTA[1] (p.Leu557del)

Gene: RIPK1 (receptor interacting serine/threonine kinase 1; plus strand). Cytogenetic location: 6p25.2.
Variant type: Microsatellite.
Coding change: c.1666CTA[1] on transcript NM_001354930.2 (MANE Select); one copy of the 3-base unit CTA starting at c.1666; the reference has two copies in a row; one copy, 3 bases deleted.
Protein change: p.Leu557del; deletes leucine 557.
Molecular consequence: inframe deletion.
Genome position (GRCh38, 1-based): chr6:3,110,895-3,110,897, CTA deleted; deleting any 3 consecutive bases within chr6:3,110,891-3,110,897 gives the same sequence; the position shown is the placement nearest the transcript's 3' end. VCF-style (leftmost placement, unchanged base first): chr6-3110890-CACT-C. GRCh37 (hg19) VCF-style: chr6-3111124-CACT-C.
Other names: c.1177CTA[1], p.Leu394del (NM_001317061.3, NM_001354932.2, NM_001354933.2 and 1 more transcripts); c.1528CTA[1], p.Leu511del (NM_001354931.2); c.1666CTA[1], p.Leu557del (NM_003804.6); short protein forms L511del, L557del, L394del.
Identifiers: ClinVar variation 1498332 (VCV001498332.6), dbSNP rs765343712, ClinGen allele CA3618483.